The following is an entry in ClinVar:

ClinVar aggregate classification (germline): Uncertain significance (1 of 4 stars; one submission).

Conditions:
ALG8 congenital disorder of glycosylation. Also called: ALG8-CDG; CONGENITAL DISORDER OF GLYCOSYLATION, TYPE Ih; CDG Ih. Identifiers: Orphanet 79325, MedGen C2931002, MONDO:0011969, OMIM 608104.

Allele frequency attached by ClinVar (database versions not stated): gnomAD exomes below 0.00001.
gnomAD v4.1: 1 of 1,614,200 alleles (0.000062%); no homozygotes.

Submission:

Labcorp Genetics (formerly Invitae), Labcorp
Classification: Uncertain significance for ALG8 congenital disorder of glycosylation. Last evaluated: 2024-02-23. Review status: criteria provided, single submitter. Criteria: Invitae Variant Classification Sherloc (09022015). Collection method: clinical testing. Allele origin: germline.
Comment: This sequence change replaces leucine, which is neutral and non-polar, with phenylalanine, which is neutral and non-polar, at codon 465 of the ALG8 protein (p.Leu465Phe). This variant is not present in population databases (gnomAD no frequency). This variant has not been reported in the literature in individuals affected with ALG8-related conditions. ClinVar contains an entry for this variant (Variation ID: 1369988). Advanced modeling of protein sequence and biophysical properties (such as structural, functional, and spatial information, amino acid conservation, physicochemical variation, residue mobility, and thermodynamic stability) performed at Invitae indicates that this missense variant is not expected to disrupt ALG8 protein function with a negative predictive value of 80%. In summary, the available evidence is currently insufficient to determine the role of this variant in disease. Therefore, it has been classified as a Variant of Uncertain Significance.

NM_024079.5(ALG8):c.1393C>T (p.Leu465Phe)

Gene: ALG8 (ALG8 alpha-1,3-glucosyltransferase; minus strand). Cytogenetic location: 11q14.1.
Variant type: single nucleotide variant.
Coding change: c.1393C>T on transcript NM_024079.5 (MANE Select); coding-DNA position 1393, C replaced by T.
Protein change: p.Leu465Phe; replaces leucine 465 with phenylalanine.
Molecular consequence: missense variant. On other transcripts: 3 prime UTR variant (1).
Genome position (GRCh38, 1-based): chr11:78,101,152, G>A on the plus strand (C>T on the coding strand, the complement: ALG8 is on the minus strand). VCF-style: chr11-78101152-G-A. GRCh37 (hg19) VCF-style: chr11-77812198-G-A.
Other names: c.*64C>T (NM_001007027.3); short protein forms L465F.
Identifiers: ClinVar variation 1369988 (VCV001369988.6), dbSNP rs2136868701, ClinGen allele CA382109850.